The following is an entry in ClinVar:

NM_001370298.3(FGD4):c.1234C>T (p.Arg412Ter)

Gene: FGD4 (FYVE, RhoGEF and PH domain containing 4; plus strand). Cytogenetic location: 12p11.21.
Variant type: single nucleotide variant.
Coding change: c.1234C>T on transcript NM_001370298.3 (MANE Select); coding-DNA position 1234, C replaced by T.
Protein change: p.Arg412Ter; replaces arginine 412 with a stop codon.
Molecular consequence: nonsense. On other transcripts: 5 prime UTR variant (1).
Genome position (GRCh38, 1-based): chr12:32,601,410, C>T. VCF-style: chr12-32601410-C-T. GRCh37 (hg19) VCF-style: chr12-32754344-C-T.
Other names: c.1078C>T, p.Arg360Ter (NM_001304481.2); c.79C>T, p.Arg27Ter (NM_001304483.2); c.-229C>T (NM_001304484.2); c.544C>T, p.Arg182Ter (NM_001330373.2, NM_001330374.2, NM_001384130.1); c.271C>T, p.Arg91Ter (NM_001370297.1); c.1234C>T, p.Arg412Ter (NM_001384126.1); c.823C>T, p.Arg275Ter (NM_001384127.1, NM_001384128.1, NM_001385118.1 and 1 more transcripts); short protein forms R275*, R360*, R182*, R27*, R91*, R412*.
Identifiers: ClinVar variation 1016 (VCV000001016.16), dbSNP rs118203974, ClinGen allele CA339860.

ClinVar aggregate classification (germline): Pathogenic. Review status: criteria provided, multiple submitters, no conflicts (2 of 4 stars). 5 submissions from 5 submitters: Pathogenic (2). 3 of the submissions do not count toward it. Last evaluated 2022-08-09.

Conditions:
FGD4-related disorder. Also called: FGD4-related condition.
Charcot-Marie-Tooth disease type 4. Also called: Charcot-Marie-Tooth disease, type IV; Charcot-Marie-Tooth, Type 4. Identifiers: Orphanet 64749, MedGen C4082197, MONDO:0018995.
Charcot-Marie-Tooth disease type 4H (CMT4H). Also called: CHARCOT-MARIE-TOOTH DISEASE, AUTOSOMAL RECESSIVE, TYPE 4H; CHARCOT-MARIE-TOOTH DISEASE, DEMYELINATING, AUTOSOMAL RECESSIVE, TYPE 4H; CHARCOT-MARIE-TOOTH NEUROPATHY, TYPE 4H; CHARCOT-MARIE-TOOTH DISEASE, DEMYELINATING, TYPE 4H. Identifiers: Orphanet 99954, MedGen C1836336, MONDO:0012250, OMIM 609311.

Allele frequency attached by ClinVar (database versions not stated): gnomAD exomes below 0.00001; TOPMed below 0.00001; ExAC 0.00001; gnomAD 0.00001.
gnomAD v4.1: 6 of 1,613,548 alleles (0.00037%); highest among the groups gnomAD compares: African/African-American, 0.0013%; no homozygotes.

Submissions (5):

Labcorp Genetics (formerly Invitae), Labcorp
Classification: Pathogenic for Charcot-Marie-Tooth disease type 4. Last evaluated: 2022-08-09. Review status: criteria provided, single submitter. Criteria: Invitae Variant Classification Sherloc (09022015). Collection method: clinical testing. Allele origin: germline.
Comment: For these reasons, this variant has been classified as Pathogenic. Algorithms developed to predict the effect of sequence changes on RNA splicing suggest that this variant may create or strengthen a splice site. ClinVar contains an entry for this variant (Variation ID: 1016). This premature translational stop signal has been observed in individual(s) with Charcot-Marie-Tooth disease (PMID: 19221294). It has also been observed to segregate with disease in related individuals. This variant is present in population databases (rs118203974, gnomAD 0.003%). This sequence change creates a premature translational stop signal (p.Arg275*) in the FGD4 gene. It is expected to result in an absent or disrupted protein product. Loss-of-function variants in FGD4 are known to be pathogenic (PMID: 17564972).

Blueprint Genetics
Classification: Pathogenic for FGD4-related disorders. Last evaluated: 2022-04-11. Review status: criteria provided, single submitter. Criteria: ACMG Guidelines, 2015. Collection method: clinical testing. Allele origin: germline. Affected: yes. Observed: 1 variant allele.

Inherited Neuropathy Consortium Ii, University Of Miami
Classification: Uncertain significance for Charcot-Marie-Tooth disease type 4H. Last evaluated: 2016-01-06. Review status: no assertion criteria provided. Collection method: literature only. Allele origin: germline. Affected: yes. Not counted in ClinVar's aggregate classification.

OMIM
Classification: Pathogenic for CHARCOT-MARIE-TOOTH DISEASE, DEMYELINATING, TYPE 4H. Last evaluated: 2009-02-17. Review status: no assertion criteria provided. Collection method: literature only. Allele origin: germline. Not counted in ClinVar's aggregate classification.

GeneReviews
No classification provided. Condition: Charcot-Marie-Tooth disease type 4H. Review status: no classification provided. Collection method: literature only. Allele origin: unknown. Not counted in ClinVar's aggregate classification.

Literature cited by the submitters: PubMed 19221294 (cited by 3 submitters); PubMed 17564972 (cited by Labcorp Genetics (formerly Invitae), Labcorp); PubMed 20301641 (cited by GeneReviews); NCBI Bookshelf NBK1468 (cited by GeneReviews).